The following is an entry in ClinVar:

ClinVar aggregate classification (germline): Pathogenic. Review status: criteria provided, multiple submitters, no conflicts (2 of 4 stars). 5 submissions from 5 submitters: Pathogenic (5). Last evaluated 2023-07-19.

Conditions:
Tuberous sclerosis syndrome (TSC). Also called: Tuberous Sclerosis Complex; Tuberous sclerosis. Identifiers: Orphanet 805, MedGen C0041341, MONDO:0001734.
Tuberous sclerosis 2 (TSC2). Identifiers: Orphanet 805, MedGen C1860707, MONDO:0013199, OMIM 613254.

Submissions (5):

All of Us Research Program, National Institutes of Health
Classification: Pathogenic for Tuberous sclerosis syndrome. Last evaluated: 2023-07-19. Review status: criteria provided, single submitter. Criteria: ACMG Guidelines, 2015. Collection method: clinical testing. Allele origin: germline. Inheritance: Autosomal dominant inheritance. Observed: 1 variant allele, 1 heterozygote.
Comment: This variant changes 1 nucleotide in exon 13 of the TSC2 gene, creating a premature translation stop signal. This variant is expected to result in an absent or non-functional protein product. This variant has not been reported in individuals affected with tuberous sclerosis complex in the literature. This variant has not been identified in the general population by the Genome Aggregation Database (gnomAD). Loss of TSC2 function is a known mechanism of disease. Based on the available evidence, this variant is classified as Pathogenic.

This study involves interpretation of variants in research participants for the purpose of population health screening. Participant phenotype was not available at the time of variant classification. Additional details can be found in publication PMID: 35346344, PMCID: PMC8962531

Color Diagnostics, LLC DBA Color Health
Classification: Pathogenic for Tuberous sclerosis syndrome. Last evaluated: 2022-10-12. Review status: criteria provided, single submitter. Criteria: ACMG Guidelines, 2015. Collection method: clinical testing. Allele origin: germline.
Comment: This variant changes 1 nucleotide in exon 13 of the TSC2 gene, creating a premature translation stop signal. This variant is expected to result in an absent or non-functional protein product. This variant has not been reported in individuals affected with tuberous sclerosis complex in the literature. This variant has not been identified in the general population by the Genome Aggregation Database (gnomAD). Loss of TSC2 function is a known mechanism of disease. Based on the available evidence, this variant is classified as Pathogenic.

Genome-Nilou Lab
Classification: Pathogenic for Tuberous sclerosis 2. Last evaluated: 2021-11-07. Review status: criteria provided, single submitter. Criteria: ACMG Guidelines, 2015. Collection method: clinical testing. Allele origin: germline. Affected: no.

GeneDx
Classification: Pathogenic. Last evaluated: 2020-04-22. Review status: criteria provided, single submitter. Criteria: GeneDx Variant Classification Process June 2021. Collection method: clinical testing. Allele origin: germline. Affected: yes.
Comment: Nonsense variant predicted to result in protein truncation or nonsense mediated decay in a gene for which loss-of-function is a known mechanism of disease; Reliable data are not available in large population cohorts to assess the frequency of this variant in publicly available databases; however, this variant has not been detected in presumably healthy individuals tested at GeneDx.; This variant is associated with the following publications: (PMID: 29655203)

Labcorp Genetics (formerly Invitae), Labcorp
Classification: Pathogenic for Tuberous sclerosis 2. Last evaluated: 2019-12-11. Review status: criteria provided, single submitter. Criteria: Invitae Variant Classification Sherloc (09022015). Collection method: clinical testing. Allele origin: germline.
Comment: This variant has been observed in individual(s) with clinical features of epilepsy and neurodevelopmental disorders (PMID: 29655203). ClinVar contains an entry for this variant (Variation ID: 207712). Algorithms developed to predict the effect of sequence changes on RNA splicing suggest that this variant may disrupt the consensus splice site, but this prediction has not been confirmed by published transcriptional studies. Loss-of-function variants in TSC2 are known to be pathogenic (PMID: 10205261, 17304050). For these reasons, this variant has been classified as Pathogenic. This variant is not present in population databases (ExAC no frequency). This sequence change creates a premature translational stop signal (p.Glu420*) in the TSC2 gene. It is expected to result in an absent or disrupted protein product.

Literature cited by the submitters: PubMed 29655203 (cited by Labcorp Genetics (formerly Invitae), Labcorp); PubMed 10205261 (cited by Labcorp Genetics (formerly Invitae), Labcorp); PubMed 17304050 (cited by Labcorp Genetics (formerly Invitae), Labcorp).

NM_000548.5(TSC2):c.1258G>T (p.Glu420Ter)

Gene: TSC2 (TSC complex subunit 2; plus strand). Cytogenetic location: 16p13.3.
Variant type: single nucleotide variant.
Coding change: c.1258G>T on transcript NM_000548.5 (MANE Select); coding-DNA position 1258, G replaced by T.
Protein change: p.Glu420Ter; replaces glutamic acid 420 with a stop codon.
Molecular consequence: nonsense.
Genome position (GRCh38, 1-based): chr16:2,062,497, G>T. VCF-style: chr16-2062497-G-T. GRCh37 (hg19) VCF-style: chr16-2112498-G-T.
Other names: p.E420*:GAG>TAG; c.1258G>T, p.Glu420Ter (NM_001077183.3, NM_001114382.3, NM_001363528.2 and 3 more transcripts); c.1147G>T, p.Glu383Ter (NM_001318827.2); c.1111G>T, p.Glu371Ter (NM_001318829.2); c.658G>T, p.Glu220Ter (NM_001318831.2); c.1291G>T, p.Glu431Ter (NM_001318832.2); short protein forms E420*, E371*, E220*, E383*, E431*.
Identifiers: ClinVar variation 207712 (VCV000207712.17), dbSNP rs796053484, ClinGen allele CA319432.